The following is an entry in ClinVar:

ClinVar aggregate classification (germline): Likely benign. Review status: criteria provided, multiple submitters, no conflicts (2 of 4 stars). 4 submissions from 4 submitters: Likely benign (3). 1 of the submissions does not count toward it. Last evaluated 2026-04-21.

Conditions:
Usher syndrome type 1 (USH1). Also called: RETINITIS PIGMENTOSA AND CONGENITAL DEAFNESS. Identifiers: Orphanet 231169, Orphanet 886, MedGen C1568247, MONDO:0010168, OMIM 276900.
CDH23-related disorder. Also called: CDH23-related disorders; CDH23-related condition.

Allele frequency attached by ClinVar (database versions not stated): gnomAD exomes 0.00001 and 0.00002; TOPMed 0.00001; ExAC 0.00002; ESP Exome Variant Server 0.00008; gnomAD 0.00001.
gnomAD v4.1: 8 of 1,611,204 alleles (0.0005%); highest among the groups gnomAD compares: East Asian, 0.011%; no homozygotes.

Submissions (4):

PreventionGenetics, part of Exact Sciences
Classification: Likely benign for CDH23-related condition. Last evaluated: 2026-04-21. Review status: criteria provided, single submitter. Criteria: ACMG Guidelines, 2015. Collection method: clinical testing. Allele origin: germline.
Comment: This variant is classified as likely benign based on ACMG/AMP sequence variant interpretation guidelines (Richards et al. 2015 PMID: 25741868, with internal and published modifications).

Labcorp Genetics (formerly Invitae), Labcorp
Classification: Likely benign. Last evaluated: 2025-04-17. Review status: criteria provided, single submitter. Criteria: Invitae Variant Classification Sherloc (09022015). Collection method: clinical testing. Allele origin: germline.

Blueprint Genetics
Classification: Likely benign. Last evaluated: 2022-09-06. Review status: criteria provided, single submitter. Criteria: ACMG Guidelines, 2015. Collection method: clinical testing. Allele origin: germline.

Natera, Inc.
Classification: Uncertain significance for Usher syndrome type 1. Last evaluated: 2020-04-17. Review status: no assertion criteria provided. Collection method: clinical testing. Allele origin: germline. Not counted in ClinVar's aggregate classification.

NM_022124.6(CDH23):c.9870C>A (p.Gly3290=)

Gene: CDH23 (cadherin related 23; plus strand). Cytogenetic location: 10q22.1.
Variant type: single nucleotide variant.
Coding change: c.9870C>A on transcript NM_022124.6 (MANE Select); coding-DNA position 9870, C replaced by A.
Protein change: p.Gly3290=; no amino-acid change (glycine 3290 retained).
Molecular consequence: synonymous variant.
Genome position (GRCh38, 1-based): chr10:71,815,083, C>A. VCF-style: chr10-71815083-C-A. GRCh37 (hg19) VCF-style: chr10-73574840-C-A.
Other names: c.3150C>A, p.Gly1050= (NM_001171933.1); c.3045C>A, p.Gly1015= (NM_001171934.1); c.561C>A, p.Gly187= (NM_001171935.1); c.456C>A, p.Gly152= (NM_001171936.1); c.9870C>A (NM_022124.5).
Identifiers: ClinVar variation 991953 (VCV000991953.11), dbSNP rs370265254, ClinGen allele CA5547196.
Genomic context (GRCh38, chr10:71,815,083, plus strand): 5'-CAAGCCACCAGTGGAGCTCAAGGGGCCCGATGGGATCCATGTGGTGCACGGCAGCACGGG[C>A]ACGCTGCTGGCCACCGACCTCAACAGCCTGCCCGAGGAAGACCAGAAGGGCCTGGGCCGC-3'
Protein context (NP_071407.4, residues 3280-3300): DGIHVVHGST[Gly3290=]TLLATDLNSL